The following is an entry in ClinVar:

NM_001358438.1(KLF18):c.2424C>T (p.Tyr808=)

Gene: KLF18 (KLF transcription factor 18; minus strand). Cytogenetic location: 1p34.1.
Variant type: single nucleotide variant.
Coding change: c.2424C>T on transcript NM_001358438.1 (MANE Select); coding-DNA position 2424, C replaced by T.
Protein change: p.Tyr808=; no amino-acid change (tyrosine 808 retained).
Molecular consequence: synonymous variant.
Genome position (GRCh38, 1-based): chr1:44,139,208, G>A on the plus strand (C>T on the coding strand, the complement: KLF18 is on the minus strand). VCF-style: chr1-44139208-G-A. GRCh37 (hg19) VCF-style: chr1-44604880-G-A.
Identifiers: ClinVar variation 2638767 (VCV002638767.24), dbSNP rs1215451312, ClinGen allele CA522687912.

ClinVar aggregate classification (germline): Likely benign (1 of 4 stars; one submission).

Allele frequency attached by ClinVar (database versions not stated): gnomAD exomes below 0.00001; gnomAD 0.00002.
gnomAD v4.1: 5 of 390,106 alleles (0.0013%); highest among the groups gnomAD compares: African/African-American, 0.0044%; no homozygotes.

Submission:

CeGaT Center for Human Genetics Tuebingen
Classification: Likely benign. Last evaluated: 2023-09-01. Review status: criteria provided, single submitter. Criteria: CeGaT Center For Human Genetics Tuebingen Variant Classification Criteria Version 2. Collection method: clinical testing. Allele origin: germline. Affected: yes. Observed: 1 variant allele.
Comment: KLF18: BP4, BP7